The following is an entry in ClinVar:

ClinVar aggregate classification (germline): Benign/Likely benign. Review status: criteria provided, multiple submitters, no conflicts (2 of 4 stars). 2 submissions from 2 submitters: Benign (1); Likely benign (1). Last evaluated 2024-11-26.

Allele frequency attached by ClinVar (database versions not stated): gnomAD exomes 0.00039; gnomAD 0.00041; 1000 Genomes Project 30x 0.00047; ExAC 0.00051; ESP Exome Variant Server 0.00054; TOPMed 0.00057; 1000 Genomes Project 0.00060.
gnomAD v4.1: 649 of 1,604,594 alleles (0.04%); highest among the groups gnomAD compares: Middle Eastern, 0.7%; 4 homozygotes.

Submissions (2):

Blueprint Genetics
Classification: Likely benign. Last evaluated: 2024-11-26. Review status: criteria provided, single submitter. Criteria: ACMG Guidelines, 2015. Collection method: clinical testing. Allele origin: germline.

CeGaT Center for Human Genetics Tuebingen
Classification: Benign. Last evaluated: 2022-04-01. Review status: criteria provided, single submitter. Criteria: CeGaT Center For Human Genetics Tuebingen Variant Classification Criteria Version 2. Collection method: clinical testing. Allele origin: germline. Affected: yes. Observed: 2 variant alleles.
Comment: ZFHX3: BS1, BS2

NM_006885.4(ZFHX3):c.8302A>T (p.Thr2768Ser)

Genes: ZFHX3 (zinc finger homeobox 3; minus strand), ZFHX3-AS1 (ZFHX3 antisense RNA 1; plus strand). Cytogenetic location: 16q22.2.
Variant type: single nucleotide variant.
Coding change: c.8302A>T on transcript NM_006885.4 (MANE Select); coding-DNA position 8302, A replaced by T.
Protein change: p.Thr2768Ser; replaces threonine 2768 with serine.
Molecular consequence: missense variant.
Genome position (GRCh38, 1-based): chr16:72,794,380, T>A on the plus strand (A>T on the coding strand, the complement: ZFHX3 is on the minus strand). VCF-style: chr16-72794380-T-A. GRCh37 (hg19) VCF-style: chr16-72828279-T-A.
Other names: c.5560A>T, p.Thr1854Ser (NM_001164766.2); c.8302A>T, p.Thr2768Ser (NM_001386735.1); short protein forms T1854S, T2768S.
Identifiers: ClinVar variation 2646822 (VCV002646822.25), dbSNP rs145956102, ClinGen allele CA8163075.